The following is an entry in ClinVar:

NM_020964.3(EPG5):c.6566A>C (p.Lys2189Thr)

Gene: EPG5 (ectopic P-granules 5 autophagy tethering factor; minus strand). Cytogenetic location: 18q12.3.
Variant type: single nucleotide variant.
Coding change: c.6566A>C on transcript NM_020964.3 (MANE Select); coding-DNA position 6566, A replaced by C.
Protein change: p.Lys2189Thr; replaces lysine 2189 with threonine.
Molecular consequence: missense variant.
Genome position (GRCh38, 1-based): chr18:45,866,853, T>G on the plus strand (A>C on the coding strand, the complement: EPG5 is on the minus strand). VCF-style: chr18-45866853-T-G. GRCh37 (hg19) VCF-style: chr18-43446818-T-G.
Other names: c.6566A>C, p.Lys2189Thr (NM_001410858.1); c.6563A>C, p.Lys2188Thr (NM_001410859.1); short protein forms K2188T, K2189T.
Identifiers: ClinVar variation 4750206 (VCV004750206.1).

ClinVar aggregate classification (germline): Uncertain significance (1 of 4 stars; one submission).

Conditions:
Vici syndrome (VICIS). Identifiers: Orphanet 1493, MedGen C1855772, MONDO:0009452, OMIM 242840.

gnomAD v4.1: 6 of 1,614,162 alleles (0.00037%); highest among the groups gnomAD compares: South Asian, 0.0066%; no homozygotes.

Submission:

Labcorp Genetics (formerly Invitae), Labcorp
Classification: Uncertain significance for Vici syndrome. Last evaluated: 2025-03-18. Review status: criteria provided, single submitter. Criteria: Invitae Variant Classification Sherloc (09022015). Collection method: clinical testing. Allele origin: germline.
Comment: This sequence change replaces lysine, which is basic and polar, with threonine, which is neutral and polar, at codon 2189 of the EPG5 protein (p.Lys2189Thr). This variant is present in population databases (rs773709086, gnomAD 0.02%). This variant has not been reported in the literature in individuals affected with EPG5-related conditions. Invitae Evidence Modeling of protein sequence and biophysical properties (such as structural, functional, and spatial information, amino acid conservation, physicochemical variation, residue mobility, and thermodynamic stability) has been performed for this missense variant. However, the output from this modeling did not meet the statistical confidence thresholds required to predict the impact of this variant on EPG5 protein function. In summary, the available evidence is currently insufficient to determine the role of this variant in disease. Therefore, it has been classified as a Variant of Uncertain Significance.